The following is an entry in ClinVar:

ClinVar aggregate classification (germline): Uncertain significance (1 of 4 stars; one submission).

Conditions:
Familial cold autoinflammatory syndrome 2 (FCAS2). Identifiers: Orphanet 247868, MedGen C2673198, MONDO:0012724, OMIM 611762.

Allele frequency attached by ClinVar (database versions not stated): gnomAD exomes below 0.00001.

Submission:

Labcorp Genetics (formerly Invitae), Labcorp
Classification: Uncertain significance for Familial cold autoinflammatory syndrome 2. Last evaluated: 2019-06-20. Review status: criteria provided, single submitter. Criteria: Invitae Variant Classification Sherloc (09022015). Collection method: clinical testing. Allele origin: germline.
Comment: In summary, the available evidence is currently insufficient to determine the role of this variant in disease. Therefore, it has been classified as a Variant of Uncertain Significance. Algorithms developed to predict the effect of sequence changes on RNA splicing suggest that this variant may create or strengthen a splice site, but this prediction has not been confirmed by published transcriptional studies. Algorithms developed to predict the effect of missense changes on protein structure and function are either unavailable or do not agree on the potential impact of this missense change (SIFT: "Deleterious"; PolyPhen-2: "Possibly Damaging"; Align-GVGD: "Class C0"). This variant has not been reported in the literature in individuals with NLRP12-related conditions. This variant is not present in population databases (ExAC no frequency). This sequence change replaces methionine with valine at codon 645 of the NLRP12 protein (p.Met645Val). The methionine residue is highly conserved and there is a small physicochemical difference between methionine and valine.

NM_144687.4(NLRP12):c.1933A>G (p.Met645Val)

Gene: NLRP12 (NLR family pyrin domain containing 12; minus strand). Cytogenetic location: 19q13.42.
Variant type: single nucleotide variant.
Coding change: c.1933A>G on transcript NM_144687.4 (MANE Select); coding-DNA position 1933, A replaced by G.
Protein change: p.Met645Val; replaces methionine 645 with valine.
Molecular consequence: missense variant.
Genome position (GRCh38, 1-based): chr19:53,809,726, T>C on the plus strand (A>G on the coding strand, the complement: NLRP12 is on the minus strand). VCF-style: chr19-53809726-T-C. GRCh37 (hg19) VCF-style: chr19-54312980-T-C.
Other names: c.1933A>G, p.Met645Val (NM_001277126.2, NM_001277129.1); short protein forms M645V.
Identifiers: ClinVar variation 938209 (VCV000938209.9), dbSNP rs1310368043, ClinGen allele CA407411957.